The following is an entry in ClinVar:

NM_007294.4(BRCA1):c.1731A>G (p.Glu577=)

Gene: BRCA1 (BRCA1 DNA repair associated; minus strand). Cytogenetic location: 17q21.31.
Variant type: single nucleotide variant.
Coding change: c.1731A>G on transcript NM_007294.4 (MANE Select); coding-DNA position 1731, A replaced by G.
Protein change: p.Glu577=; no amino-acid change (glutamic acid 577 retained).
Molecular consequence: synonymous variant. On other transcripts: intron variant (137).
Genome position (GRCh38, 1-based): chr17:43,093,800, T>C on the plus strand (A>G on the coding strand, the complement: BRCA1 is on the minus strand). VCF-style: chr17-43093800-T-C. GRCh37 (hg19) VCF-style: chr17-41245817-T-C.
Other names: c.784+944A>G (NM_001407992.1, NM_001408400.1, NM_001408392.1 and 13 more transcripts); c.664+944A>G (NM_001408440.1, NM_001408428.1, NM_001408441.1 and 12 more transcripts); c.670+2046A>G (NM_001408418.1, NM_001408423.1, NM_001408420.1 and 2 more transcripts); c.787+944A>G (NM_001407981.1, NM_007298.4, NM_001407978.1 and 19 more transcripts); c.643+944A>G (NM_001408462.1, NM_001408470.1, NM_001408464.1 and 3 more transcripts); c.709+944A>G (NM_001408414.1, NM_001408411.1, NM_001408415.1 and 2 more transcripts); c.577+944A>G (NM_001408514.1, NM_001408485.1, NM_001408483.1 and 9 more transcripts); c.661+944A>G (NM_001408447.1, NM_001408433.1, NM_001408446.1 and 6 more transcripts); and 40 more.
Identifiers: ClinVar variation 184373 (VCV000184373.29), dbSNP rs28897678, ClinGen allele CA001137.

ClinVar aggregate classification (germline): Likely benign. Review status: reviewed by expert panel (3 of 4 stars). 9 submissions from 9 submitters: Likely benign (1). 8 of the submissions do not count toward it. Last evaluated 2017-06-29.

Conditions:
Hereditary breast ovarian cancer syndrome. Also called: Hereditary breast and ovarian cancer syndrome; Hereditary breast and ovarian cancer syndrome (HBOC); BRCA1- and BRCA2-Associated Hereditary Breast and Ovarian Cancer; Breast and ovarian cancer; Hereditary breast and ovarian cancer; Hereditary breast and/or ovarian cancer syndrome. Identifiers: Orphanet 145, MedGen C0677776, MeSH D061325, MONDO:0003582. Disease mechanism: loss of function.
Hereditary cancer-predisposing syndrome. Also called: Hereditary Cancer Syndrome; Hereditary neoplastic syndrome; Tumor predisposition; Neoplastic Syndromes, Hereditary. Identifiers: Orphanet 140162, MedGen C0027672, MeSH D009386, MONDO:0015356.
Breast-ovarian cancer, familial, susceptibility to, 1 (BROVCA1). Also called: OVARIAN CANCER, SUSCEPTIBILITY TO; BRCA1 Hereditary Breast and Ovarian Cancer. Identifiers: Orphanet 145, MedGen C2676676, MONDO:0011450, OMIM 604370. Disease mechanism: loss of function.

Allele frequency attached by ClinVar (database versions not stated): gnomAD exomes below 0.00001; ExAC 0.00001; TOPMed 0.00001; gnomAD 0.00002.
gnomAD v4.1: 64 of 1,613,536 alleles (0.004%); highest among the groups gnomAD compares: Non-Finnish European, 0.0053%; no homozygotes.

Submissions (9):

Evidence-based Network for the Interpretation of Germline Mutant Alleles (ENIGMA)
Classification: Likely benign for Breast-ovarian cancer, familial, susceptibility to, 1. Last evaluated: 2017-06-29. Review status: reviewed by expert panel. Criteria: ENIGMA BRCA1/2 Classification Criteria (2017-06-29). Collection method: curation. Allele origin: germline.
Comment: Synonymous substitution variant, with low bioinformatic likelihood to result in a splicing aberration (Splicing prior probability 0.02).

Labcorp Genetics (formerly Invitae), Labcorp
Classification: Likely benign for Hereditary breast ovarian cancer syndrome. Last evaluated: 2026-01-20. Review status: criteria provided, single submitter. Criteria: Invitae Variant Classification Sherloc (09022015). Collection method: clinical testing. Allele origin: germline. Not counted in ClinVar's aggregate classification.

Quest Diagnostics Nichols Institute San Juan Capistrano
Classification: Likely benign. Last evaluated: 2025-08-01. Review status: criteria provided, single submitter. Criteria: Quest Diagnostics criteria. Collection method: clinical testing. Allele origin: unknown. Not counted in ClinVar's aggregate classification.

Blueprint Genetics
Classification: Likely benign. Last evaluated: 2024-01-09. Review status: criteria provided, single submitter. Criteria: ACMG Guidelines, 2015. Collection method: clinical testing. Allele origin: germline. Not counted in ClinVar's aggregate classification.

Sema4
Classification: Likely benign for Hereditary cancer-predisposing syndrome. Last evaluated: 2021-04-05. Review status: criteria provided, single submitter. Criteria: Sema4 Curation Guidelines. Collection method: curation. Allele origin: germline. Not counted in ClinVar's aggregate classification.

GeneDx
Classification: Likely benign. Last evaluated: 2019-09-04. Review status: criteria provided, single submitter. Criteria: GeneDx Variant Classification Process June 2021. Collection method: clinical testing. Allele origin: germline. Affected: yes. Not counted in ClinVar's aggregate classification.
Comment: This variant is associated with the following publications: (PMID: 22277901)

Women's Health and Genetics/Laboratory Corporation of America, LabCorp
Classification: Likely benign. Last evaluated: 2019-08-21. Review status: criteria provided, single submitter. Criteria: LabCorp Variant Classification Summary - May 2015. Collection method: clinical testing. Allele origin: germline. Not counted in ClinVar's aggregate classification.

Color Diagnostics, LLC DBA Color Health
Classification: Likely benign for Hereditary cancer-predisposing syndrome. Last evaluated: 2016-10-17. Review status: criteria provided, single submitter. Criteria: ACMG Guidelines, 2015. Collection method: clinical testing. Allele origin: germline. Not counted in ClinVar's aggregate classification.

Ambry Genetics
Classification: Likely benign for Hereditary cancer-predisposing syndrome. Last evaluated: 2014-11-04. Review status: criteria provided, single submitter. Criteria: Ambry Variant Classification Scheme 2023. Collection method: clinical testing. Allele origin: germline. Not counted in ClinVar's aggregate classification.